The following is an entry in ClinVar:

ClinVar aggregate classification (germline): Uncertain significance (1 of 4 stars; one submission).

Conditions:
Hereditary cancer-predisposing syndrome. Also called: Hereditary neoplastic syndrome; Hereditary Cancer Syndrome; Neoplastic Syndromes, Hereditary; Tumor predisposition. Identifiers: Orphanet 140162, MedGen C0027672, MeSH D009386, MONDO:0015356.

Submission:

Ambry Genetics
Classification: Uncertain significance for Hereditary cancer-predisposing syndrome. Last evaluated: 2023-04-23. Review status: criteria provided, single submitter. Criteria: Ambry Variant Classification Scheme 2023. Collection method: clinical testing. Allele origin: germline.
Comment: The p.V2438E variant (also known as c.7313T>A), located in coding exon 15 of the APC gene, results from a T to A substitution at nucleotide position 7313. The valine at codon 2438 is replaced by glutamic acid, an amino acid with dissimilar properties. This amino acid position is conserved. In addition, in silico predictors for this gene do not accurately predict pathogenicity. Since supporting evidence is limited at this time, the clinical significance of this alteration remains unclear.

NM_000038.6(APC):c.7313T>A (p.Val2438Glu)

Gene: APC (APC regulator of Wnt signaling pathway; plus strand). Cytogenetic location: 5q22.2.
Variant type: single nucleotide variant.
Coding change: c.7313T>A on transcript NM_000038.6 (MANE Select); coding-DNA position 7313, T replaced by A.
Protein change: p.Val2438Glu; replaces valine 2438 with glutamic acid.
Molecular consequence: missense variant. On other transcripts: non-coding transcript variant (2).
Genome position (GRCh38, 1-based): chr5:112,842,907, T>A. VCF-style: chr5-112842907-T-A. GRCh37 (hg19) VCF-style: chr5-112178604-T-A.
Other names: c.6464T>A, p.Val2155Glu (NM_001354906.2, NM_001407470.1); c.7397T>A, p.Val2466Glu (NM_001407446.1); c.7367T>A, p.Val2456Glu (NM_001407447.1, NM_001407448.1, NM_001407449.1 and 1 more transcripts); c.7313T>A, p.Val2438Glu (NM_001407450.1, NM_001127510.3, NM_001354895.2); c.7292T>A, p.Val2431Glu (NM_001407451.1); c.7283T>A, p.Val2428Glu (NM_001407452.1); c.7136T>A, p.Val2379Glu (NM_001407453.1, NM_001354901.2); c.7064T>A, p.Val2355Glu (NM_001407454.1, NM_001407455.1, NM_001407456.1 and 1 more transcripts); and 11 more; short protein forms V2054E, V2278E, V2420E, V2438E, V2466E, V2309E, V2337E, V2397E.
Identifiers: ClinVar variation 2566994 (VCV002566994.2), dbSNP rs2149984276, ClinGen allele CA16037256.